The following is an entry in ClinVar:

NM_000218.3(KCNQ1):c.701A>T (p.Gln234Leu)

Gene: KCNQ1 (potassium voltage-gated channel subfamily Q member 1; plus strand). Cytogenetic location: 11p15.5.
Variant type: single nucleotide variant.
Coding change: c.701A>T on transcript NM_000218.3 (MANE Select); coding-DNA position 701, A replaced by T.
Protein change: p.Gln234Leu; replaces glutamine 234 with leucine.
Molecular consequence: missense variant.
Genome position (GRCh38, 1-based): chr11:2,572,030, A>T. VCF-style: chr11-2572030-A-T. GRCh37 (hg19) VCF-style: chr11-2593260-A-T.
Other names: c.701A>T, p.Gln234Leu (NM_001406836.1); c.431A>T, p.Gln144Leu (NM_001406837.1); c.320A>T, p.Gln107Leu (NM_181798.2); short protein forms Q107L, Q234L, Q144L.
Identifiers: ClinVar variation 405267 (VCV000405267.10), dbSNP rs794728570, ClinGen allele CA16613562.

ClinVar aggregate classification (germline): Uncertain significance (1 of 4 stars; one submission).

Conditions:
Long QT syndrome (LQTS). Identifiers: MedGen C0023976, MeSH D008133, MONDO:0002442. Disease mechanism: loss of function. Inheritance: Various modes of inheritance.

Submission:

Labcorp Genetics (formerly Invitae), Labcorp
Classification: Uncertain significance for Long QT syndrome. Last evaluated: 2016-12-17. Review status: criteria provided, single submitter. Criteria: Invitae Variant Classification Sherloc (09022015). Collection method: clinical testing. Allele origin: germline.
Comment: This variant identified in the KCNQ1 gene is located in the transmembrane S4 region of the resulting protein (PMID: 19841300, 25348405), but it is unclear how this variant impacts the function of this protein. In summary, this variant is a novel missense change with uncertain impact on protein function. It has been classified as a Variant of Uncertain Significance. Algorithms developed to predict the effect of missense changes on protein structure and function (SIFT, PolyPhen-2, Align-GVGD) all suggest that this variant is likely to be disruptive, but these predictions have not been confirmed by published functional studies. This sequence change replaces glutamine with leucine at codon 234 of the KCNQ1 protein (p.Gln234Leu). The glutamine residue is highly conserved and there is a moderate physicochemical difference between glutamine and leucine. This variant is not present in population databases (ExAC no frequency) and has not been reported in the literature in individuals with a KCNQ1-related disease.

Literature cited by the submitters: PubMed 19841300; PubMed 25348405.